The following is an entry in ClinVar:

ClinVar aggregate classification (germline): Uncertain significance (1 of 4 stars; one submission).

Allele frequency attached by ClinVar (database versions not stated): gnomAD 0.00001; gnomAD exomes 0.00001; TOPMed 0.00001; ExAC 0.00002.

Submission:

Labcorp Genetics (formerly Invitae), Labcorp
Classification: Uncertain significance. Last evaluated: 2022-07-04. Review status: criteria provided, single submitter. Criteria: Invitae Variant Classification Sherloc (09022015). Collection method: clinical testing. Allele origin: germline.
Comment: This sequence change replaces alanine, which is neutral and non-polar, with valine, which is neutral and non-polar, at codon 316 of the PYCR1 protein (p.Ala316Val). This variant is present in population databases (rs781071840, gnomAD 0.006%). This variant has not been reported in the literature in individuals affected with PYCR1-related conditions. Algorithms developed to predict the effect of missense changes on protein structure and function output the following: SIFT: "Tolerated"; PolyPhen-2: "Benign"; Align-GVGD: "Class C0". The valine amino acid residue is found in multiple mammalian species, which suggests that this missense change does not adversely affect protein function. In summary, the available evidence is currently insufficient to determine the role of this variant in disease. Therefore, it has been classified as a Variant of Uncertain Significance.

NM_006907.4(PYCR1):c.947C>T (p.Ala316Val)

Gene: PYCR1 (pyrroline-5-carboxylate reductase 1; minus strand). Cytogenetic location: 17q25.3.
Variant type: single nucleotide variant.
Coding change: c.947C>T on transcript NM_006907.4 (MANE Select); coding-DNA position 947, C replaced by T.
Protein change: p.Ala316Val; replaces alanine 316 with valine.
Molecular consequence: missense variant. On other transcripts: 3 prime UTR variant (1), intron variant (1).
Genome position (GRCh38, 1-based): chr17:81,933,227, G>A on the plus strand (C>T on the coding strand, the complement: PYCR1 is on the minus strand). VCF-style: chr17-81933227-G-A. GRCh37 (hg19) VCF-style: chr17-79891103-G-A.
Other names: c.854C>T, p.Ala285Val (NM_001282279.2); c.947C>T, p.Ala316Val (NM_001282280.2); c.1028C>T, p.Ala343Val (NM_001282281.2); c.*129C>T (NM_001330523.2); c.867+80C>T (NM_153824.3); short protein forms A343V, A285V, A316V.
Identifiers: ClinVar variation 1953388 (VCV001953388.2), dbSNP rs781071840, ClinGen allele CA8845227.